The following is an entry in ClinVar:

NM_001148.6(ANK2):c.1863C>G (p.Ser621=)

Gene: ANK2 (ankyrin 2; plus strand). Cytogenetic location: 4q26.
Variant type: single nucleotide variant.
Coding change: c.1863C>G on transcript NM_001148.6 (MANE Select); coding-DNA position 1863, C replaced by G.
Protein change: p.Ser621=; no amino-acid change (serine 621 retained).
Molecular consequence: synonymous variant. On other transcripts: intron variant (10).
Genome position (GRCh38, 1-based): chr4:113,278,540, C>G. VCF-style: chr4-113278540-C-G. GRCh37 (hg19) VCF-style: chr4-114199696-C-G.
Other names: c.1908C>G, p.Ser636= (NM_001354237.2, NM_001354240.2, NM_001354241.2 and 5 more transcripts); c.1800C>G, p.Ser600= (NM_001354239.2, NM_001354243.2, NM_001354244.2 and 10 more transcripts); c.1863C>G, p.Ser621= (NM_001354246.2, NM_001354258.2, NM_001354265.2 and 6 more transcripts); c.1776C>G, p.Ser592= (NM_001354249.2, NM_001354264.2, NM_001354266.2 and 10 more transcripts); c.1821C>G, p.Ser607= (NM_001354261.2, NM_001386147.1, NM_001386160.1); c.1653C>G, p.Ser551= (NM_001354269.3); c.1665C>G, p.Ser555= (NM_001354273.2); c.1578C>G, p.Ser526= (NM_001354277.2, NM_001386157.1); and 8 more.
Identifiers: ClinVar variation 519211 (VCV000519211.19), dbSNP rs146425138, ClinGen allele CA3050387.
Genomic context (GRCh38, chr4:113,278,540, plus strand): 5'-TGTTGCTGCTCATTATGACAACCAGAAGGTGGCGCTGCTGTTACTGGAGAAGGGTGCTTC[C>G]CCTCATGCCACTGCCAAGGTGAGGACCACAGAAAAGGATTTACAGGCATAGGGTGTAACT-3'
Protein context (NP_001139.3, residues 611-631): VALLLLEKGA[Ser621=]PHATAKNGYT

ClinVar aggregate classification (germline): Benign/Likely benign. Review status: criteria provided, multiple submitters, no conflicts (2 of 4 stars). 6 submissions from 6 submitters: Benign (3); Likely benign (3). Last evaluated 2026-01-07.

Conditions:
Long QT syndrome (LQTS). Identifiers: MedGen C0023976, MeSH D008133, MONDO:0002442. Disease mechanism: loss of function. Inheritance: Various modes of inheritance.
Cardiac arrhythmia, ankyrin-B-related. Also called: ANKYRIN-B SYNDROME. Identifiers: Orphanet 101016, Orphanet 768, MedGen C1970119, MONDO:0010958, OMIM 600919.
ANK2-related disorder. Also called: ANK2-related condition.
Cardiovascular phenotype. Identifiers: MedGen CN230736.

Allele frequency attached by ClinVar (database versions not stated): TOPMed 0.00088; gnomAD 0.00089; 1000 Genomes Project 30x 0.00109; ESP Exome Variant Server 0.00115; 1000 Genomes Project 0.00140.
gnomAD v4.1: 263 of 1,613,932 alleles (0.016%); highest among the groups gnomAD compares: African/African-American, 0.3%; no homozygotes.

Submissions (6):

Labcorp Genetics (formerly Invitae), Labcorp
Classification: Benign for Long QT syndrome. Last evaluated: 2026-01-07. Review status: criteria provided, single submitter. Criteria: Invitae Variant Classification Sherloc (09022015). Collection method: clinical testing. Allele origin: germline.

PreventionGenetics, part of Exact Sciences
Classification: Likely benign for ANK2-related condition. Last evaluated: 2025-11-06. Review status: criteria provided, single submitter. Criteria: ACMG Guidelines, 2015. Collection method: clinical testing. Allele origin: germline.
Comment: This variant is classified as likely benign based on ACMG/AMP sequence variant interpretation guidelines (Richards et al. 2015 PMID: 25741868, with internal and published modifications).

Genome-Nilou Lab
Classification: Benign for Cardiac arrhythmia, ankyrin-B-related. Last evaluated: 2021-12-05. Review status: criteria provided, single submitter. Criteria: ACMG Guidelines, 2015. Collection method: clinical testing. Allele origin: germline. Affected: no.

Fulgent Genetics
Classification: Likely benign for Cardiac arrhythmia, ankyrin-B-related. Last evaluated: 2021-07-23. Review status: criteria provided, single submitter. Criteria: ACMG Guidelines, 2015. Collection method: clinical testing. Allele origin: unknown.

Ambry Genetics
Classification: Likely benign for Cardiovascular phenotype. Last evaluated: 2016-12-16. Review status: criteria provided, single submitter. Criteria: Ambry Variant Classification Scheme 2023. Collection method: clinical testing. Allele origin: germline.

GeneDx
Classification: Benign. Last evaluated: 2015-03-03. Review status: criteria provided, single submitter. Criteria: GeneDx Variant Classification Process June 2021. Collection method: clinical testing. Allele origin: germline. Affected: yes.